The following is an entry in ClinVar:

NM_014141.6(CNTNAP2):c.3646G>T (p.Ala1216Ser)

Gene: CNTNAP2 (contactin associated protein 2; plus strand). Cytogenetic location: 7q36.1.
Variant type: single nucleotide variant.
Coding change: c.3646G>T on transcript NM_014141.6 (MANE Select); coding-DNA position 3646, G replaced by T.
Protein change: p.Ala1216Ser; replaces alanine 1216 with serine.
Molecular consequence: missense variant.
Genome position (GRCh38, 1-based): chr7:148,383,819, G>T. VCF-style: chr7-148383819-G-T. GRCh37 (hg19) VCF-style: chr7-148080911-G-T.
Other names: c.3646G>T (NM_014141.5); short protein forms A1216S.
Identifiers: ClinVar variation 1499724 (VCV001499724.8), dbSNP rs1799128413, ClinGen allele CA369704837.

ClinVar aggregate classification (germline): Uncertain significance. Review status: criteria provided, multiple submitters, no conflicts (2 of 4 stars). 2 submissions from 2 submitters: Uncertain significance (2). Last evaluated 2024-12-02.

Conditions:
Inborn genetic diseases. Identifiers: MedGen C0950123, MeSH D030342.
Cortical dysplasia-focal epilepsy syndrome (PTHSL1). Also called: Pitt-Hopkins-like syndrome 1. Identifiers: Orphanet 163681, Orphanet 221150, MedGen C2750246, MONDO:0012400, OMIM 610042.

Allele frequency attached by ClinVar (database versions not stated): TOPMed below 0.00001.

Submissions (2):

Labcorp Genetics (formerly Invitae), Labcorp
Classification: Uncertain significance for Cortical dysplasia-focal epilepsy syndrome. Last evaluated: 2024-12-02. Review status: criteria provided, single submitter. Criteria: Invitae Variant Classification Sherloc (09022015). Collection method: clinical testing. Allele origin: germline.
Comment: This sequence change replaces alanine, which is neutral and non-polar, with serine, which is neutral and polar, at codon 1216 of the CNTNAP2 protein (p.Ala1216Ser). This variant is not present in population databases (gnomAD no frequency). This variant has not been reported in the literature in individuals affected with CNTNAP2-related conditions. ClinVar contains an entry for this variant (Variation ID: 1499724). An algorithm developed to predict the effect of missense changes on protein structure and function (PolyPhen-2) suggests that this variant is likely to be tolerated. In summary, the available evidence is currently insufficient to determine the role of this variant in disease. Therefore, it has been classified as a Variant of Uncertain Significance.

Ambry Genetics
Classification: Uncertain significance for Inborn genetic diseases. Last evaluated: 2024-10-24. Review status: criteria provided, single submitter. Criteria: Ambry Variant Classification Scheme 2023. Collection method: clinical testing. Allele origin: germline.